The following is an entry in ClinVar:

ClinVar aggregate classification (germline): Uncertain significance (1 of 4 stars; one submission).

Conditions:
Primary ciliary dyskinesia. Also called: Ciliary dyskinesia. Identifiers: Orphanet 244, MedGen C0008780, MONDO:0016575, HP:0012265.

Allele frequency attached by ClinVar (database versions not stated): gnomAD 0.00001; TOPMed 0.00001; gnomAD exomes 0.00005.

Submission:

Labcorp Genetics (formerly Invitae), Labcorp
Classification: Uncertain significance for Primary ciliary dyskinesia. Last evaluated: 2022-01-03. Review status: criteria provided, single submitter. Criteria: Invitae Variant Classification Sherloc (09022015). Collection method: clinical testing. Allele origin: germline.
Comment: This variant is present in population databases (rs757581625, gnomAD 0.003%). This sequence change replaces leucine, which is neutral and non-polar, with proline, which is neutral and non-polar, at codon 836 of the CCDC40 protein (p.Leu836Pro). This variant has not been reported in the literature in individuals affected with CCDC40-related conditions. Algorithms developed to predict the effect of missense changes on protein structure and function are either unavailable or do not agree on the potential impact of this missense change (SIFT: "Deleterious"; PolyPhen-2: "Probably Damaging"; Align-GVGD: "Class C0"). In summary, the available evidence is currently insufficient to determine the role of this variant in disease. Therefore, it has been classified as a Variant of Uncertain Significance.

NM_017950.4(CCDC40):c.2507T>C (p.Leu836Pro)

Gene: CCDC40 (coiled-coil domain 40 molecular ruler complex subunit; plus strand). Cytogenetic location: 17q25.3.
Variant type: single nucleotide variant.
Coding change: c.2507T>C on transcript NM_017950.4 (MANE Select); coding-DNA position 2507, T replaced by C.
Protein change: p.Leu836Pro; replaces leucine 836 with proline.
Molecular consequence: missense variant.
Genome position (GRCh38, 1-based): chr17:80,087,664, T>C. VCF-style: chr17-80087664-T-C. GRCh37 (hg19) VCF-style: chr17-78061463-T-C.
Other names: c.2507T>C, p.Leu836Pro (NM_001243342.2); short protein forms L836P.
Identifiers: ClinVar variation 2174908 (VCV002174908.3), dbSNP rs757581625, ClinGen allele CA294868064.